The following is an entry in ClinVar:

NM_170707.4(LMNA):c.1110C>A (p.Asp370Glu)

Gene: LMNA (lamin A/C; plus strand). Cytogenetic location: 1q22.
Variant type: single nucleotide variant.
Coding change: c.1110C>A on transcript NM_170707.4 (MANE Select); coding-DNA position 1110, C replaced by A.
Protein change: p.Asp370Glu; replaces aspartic acid 370 with glutamic acid.
Molecular consequence: missense variant.
Genome position (GRCh38, 1-based): chr1:156,136,074, C>A. VCF-style: chr1-156136074-C-A. GRCh37 (hg19) VCF-style: chr1-156105865-C-A.
Other names: c.774C>A, p.Asp258Glu (NM_001257374.3, NM_001406989.1, NM_001406998.1); c.867C>A, p.Asp289Glu (NM_001282624.2, NM_001406986.1, NM_001406987.1); c.1110C>A, p.Asp370Glu (NM_001282625.2, NM_001282626.2, NM_001406983.1 and 6 more transcripts); c.813C>A, p.Asp271Glu (NM_001406988.1); c.552C>A, p.Asp184Glu (NM_001406990.1, NM_001407003.1, NM_001406993.1 and 4 more transcripts); c.486C>A, p.Asp162Glu (NM_001406994.1, NM_001406999.1, NM_001407000.1 and 1 more transcripts); short protein forms D162E, D271E, D258E, D184E, D370E, D289E.
Identifiers: ClinVar variation 3677001 (VCV003677001.2).
Genomic context (GRCh38, chr1:156,136,074, plus strand): 5'-AAGGATGCAGCAGCAGCTGGACGAGTACCAGGAGCTTCTGGACATCAAGCTGGCCCTGGA[C>A]ATGGAGATCCACGCCTACCGCAAGCTCTTGGAGGGCGAGGAGGAGAGGTGGGCTGGGGAG-3'
Protein context (NP_733821.1, residues 360-380): QELLDIKLAL[Asp370Glu]MEIHAYRKLL

ClinVar aggregate classification (germline): Pathogenic (1 of 4 stars; one submission).

Conditions:
Charcot-Marie-Tooth disease type 2. Also called: Charcot-Marie-Tooth type 2. Identifiers: Orphanet 64746, MedGen C0270914, MONDO:0018993.

Submission:

Labcorp Genetics (formerly Invitae), Labcorp
Classification: Pathogenic for Charcot-Marie-Tooth disease type 2. Last evaluated: 2025-12-01. Review status: criteria provided, single submitter. Criteria: Invitae Variant Classification Sherloc (09022015). Collection method: clinical testing. Allele origin: germline.
Comment: This sequence change replaces aspartic acid, which is acidic and polar, with glutamic acid, which is acidic and polar, at codon 370 of the LMNA protein (p.Asp370Glu). This variant is not present in population databases (gnomAD no frequency). This missense change has been observed in individual(s) with Emery-Dreifuss muscular dystrophy (PMID: 32571898). In at least one individual the variant was observed to be de novo. ClinVar contains an entry for this variant (Variation ID: 3677001). Invitae Evidence Modeling of protein sequence and biophysical properties (such as structural, functional, and spatial information, amino acid conservation, physicochemical variation, residue mobility, and thermodynamic stability) indicates that this missense variant is expected to disrupt LMNA protein function with a positive predictive value of 95%. For these reasons, this variant has been classified as Pathogenic.

Literature cited by the submitters: PubMed 32571898.